The following is an entry in ClinVar:

NM_001128431.4(SLC39A14):c.428C>T (p.Thr143Met)

Gene: SLC39A14 (solute carrier family 39 member 14; plus strand). Cytogenetic location: 8p21.3.
Variant type: single nucleotide variant.
Coding change: c.428C>T on transcript NM_001128431.4 (MANE Select); coding-DNA position 428, C replaced by T.
Protein change: p.Thr143Met; replaces threonine 143 with methionine.
Molecular consequence: missense variant.
Genome position (GRCh38, 1-based): chr8:22,408,467, C>T. VCF-style: chr8-22408467-C-T. GRCh37 (hg19) VCF-style: chr8-22265980-C-T.
Other names: c.428C>T, p.Thr143Met (NM_001135153.3, NM_001135154.3, NM_001351655.2 and 3 more transcripts); c.458C>T, p.Thr153Met (NM_001351657.2, NM_001351658.2, NM_001351659.2); short protein forms T153M, T143M.
Identifiers: ClinVar variation 1513492 (VCV001513492.3), dbSNP rs753123757, ClinGen allele CA4667304.
Genomic context (GRCh38, chr8:22,408,467, plus strand): 5'-AGCAGCTGGATTCCCGGGCCTGCACCTCGGAGAACCAGGAAAACGAGGAGAATGAGCAGA[C>T]GGAGGAGGGGCGGCCAAGCGCTGTTGAAGGTGAGCCAGGCCAGGAAGGCAGGAGCCCATC-3'
Protein context (NP_001121903.1, residues 133-153): ENQENEENEQ[Thr143Met]EEGRPSAVEV

ClinVar aggregate classification (germline): Uncertain significance (1 of 4 stars; one submission).

Allele frequency attached by ClinVar (database versions not stated): ExAC 0.00001; gnomAD 0.00001 and 0.00003; gnomAD exomes 0.00001 and 0.00002; TOPMed 0.00002.
gnomAD v4.1: 21 of 1,613,910 alleles (0.0013%); highest among the groups gnomAD compares: South Asian, 0.015%; no homozygotes.

Submission:

Labcorp Genetics (formerly Invitae), Labcorp
Classification: Uncertain significance. Last evaluated: 2021-11-03. Review status: criteria provided, single submitter. Criteria: Invitae Variant Classification Sherloc (09022015). Collection method: clinical testing. Allele origin: germline.
Comment: This sequence change replaces threonine, which is neutral and polar, with methionine, which is neutral and non-polar, at codon 143 of the SLC39A14 protein (p.Thr143Met). This variant is present in population databases (rs753123757, gnomAD 0.01%). This variant has not been reported in the literature in individuals affected with SLC39A14-related conditions. Algorithms developed to predict the effect of missense changes on protein structure and function (SIFT, PolyPhen-2, Align-GVGD) all suggest that this variant is likely to be tolerated. In summary, the available evidence is currently insufficient to determine the role of this variant in disease. Therefore, it has been classified as a Variant of Uncertain Significance.